The following is an entry in ClinVar:

NM_032444.4(SLX4):c.2484G>C (p.Glu828Asp)

Gene: SLX4 (SLX4 structure-specific endonuclease subunit; minus strand). Cytogenetic location: 16p13.3.
Variant type: single nucleotide variant.
Coding change: c.2484G>C on transcript NM_032444.4 (MANE Select); coding-DNA position 2484, G replaced by C.
Protein change: p.Glu828Asp; replaces glutamic acid 828 with aspartic acid.
Molecular consequence: missense variant.
Genome position (GRCh38, 1-based): chr16:3,591,154, C>G on the plus strand (G>C on the coding strand, the complement: SLX4 is on the minus strand). VCF-style: chr16-3591154-C-G. GRCh37 (hg19) VCF-style: chr16-3641155-C-G.
Other names: short protein forms E828D.
Identifiers: ClinVar variation 853759 (VCV000853759.11), dbSNP rs199656607, ClinGen allele CA7866142.

ClinVar aggregate classification (germline): Uncertain significance. Review status: criteria provided, multiple submitters, no conflicts (2 of 4 stars). 3 submissions from 3 submitters: Uncertain significance (3). Last evaluated 2025-10-26.

Conditions:
Fanconi anemia (FA). Also called: Fanconi's anemia. Identifiers: Orphanet 84, MedGen C0015625, MeSH D005199, MONDO:0019391.
Fanconi anemia complementation group P. Also called: SLX4-Related Fanconi Anemia. Identifiers: Orphanet 84, MedGen C3469542, MONDO:0013499, OMIM 613951.

Allele frequency attached by ClinVar (database versions not stated): TOPMed 0.00002; gnomAD 0.00007 and 0.00008; gnomAD exomes 0.00007 and 0.00012; ExAC 0.00013; 1000 Genomes Project 30x 0.00031; 1000 Genomes Project 0.00040.
gnomAD v4.1: 113 of 1,614,222 alleles (0.007%); highest among the groups gnomAD compares: Non-Finnish European, 0.0013%; no homozygotes.

Submissions (3):

Labcorp Genetics (formerly Invitae), Labcorp
Classification: Uncertain significance for Fanconi anemia. Last evaluated: 2025-10-26. Review status: criteria provided, single submitter. Criteria: Invitae Variant Classification Sherloc (09022015). Collection method: clinical testing. Allele origin: germline.
Comment: This sequence change replaces glutamic acid, which is acidic and polar, with aspartic acid, which is acidic and polar, at codon 828 of the SLX4 protein (p.Glu828Asp). This variant is present in population databases (rs199656607, gnomAD 0.1%). This missense change has been observed in individual(s) with breast cancer and acute lymphoblastic leukemia (PMID: 25288723, 35739278). ClinVar contains an entry for this variant (Variation ID: 853759). An algorithm developed to predict the effect of missense changes on protein structure and function (PolyPhen-2) suggests that this variant is likely to be disruptive. In summary, the available evidence is currently insufficient to determine the role of this variant in disease. Therefore, it has been classified as a Variant of Uncertain Significance.

Blueprint Genetics
Classification: Uncertain significance. Last evaluated: 2024-11-08. Review status: criteria provided, single submitter. Criteria: ACMG Guidelines, 2015. Collection method: clinical testing. Allele origin: germline.

Illumina Laboratory Services, Illumina
Classification: Uncertain significance for Fanconi anemia complementation group P. Last evaluated: 2017-04-27. Review status: criteria provided, single submitter. Criteria: ICSL Variant Classification Criteria 13 December 2019. Collection method: clinical testing. Allele origin: germline.
Comment: This variant was observed as part of a predisposition screen in an ostensibly healthy population. A literature search was performed for the gene, cDNA change, and amino acid change (where applicable). Publications were found based on this search. However, the evidence from the literature, in combination with allele frequency data from public databases where available, was not sufficient to rule this variant in or out of causing disease. Therefore, this variant is classified as a variant of unknown significance.

Literature cited by the submitters: PubMed 25288723 (cited by Labcorp Genetics (formerly Invitae), Labcorp and Illumina Laboratory Services, Illumina); PubMed 35739278 (cited by Labcorp Genetics (formerly Invitae), Labcorp).